The following is an entry in ClinVar:

ClinVar aggregate classification (germline): Likely benign. Review status: criteria provided, multiple submitters, no conflicts (2 of 4 stars). 2 submissions from 2 submitters: Likely benign (2). Last evaluated 2025-12-13.

Conditions:
Oligodontia-cancer predisposition syndrome. Also called: TOOTH AGENESIS-COLORECTAL CANCER SYNDROME. Identifiers: Orphanet 300576, MedGen C1837750, MONDO:0012075, OMIM 608615. Disease mechanism: loss of function.

Allele frequency attached by ClinVar (database versions not stated): gnomAD 0.00001; TOPMed 0.00002.
gnomAD v4.1: 6 of 1,535,110 alleles (0.00039%); highest among the groups gnomAD compares: Admixed American, 0.0041%; no homozygotes.

Submissions (2):

Labcorp Genetics (formerly Invitae), Labcorp
Classification: Likely benign for Oligodontia-cancer predisposition syndrome. Last evaluated: 2025-12-13. Review status: criteria provided, single submitter. Criteria: Invitae Variant Classification Sherloc (09022015). Collection method: clinical testing. Allele origin: germline.

Myriad Genetics, Inc.
Classification: Likely benign for Oligodontia-cancer predisposition syndrome. Last evaluated: 2024-07-01. Review status: criteria provided, single submitter. Criteria: Myriad Autosomal Dominant, Autosomal Recessive and X-Linked Classification Criteria (2023). Collection method: clinical testing. Allele origin: unknown.
Comment: This variant is considered likely benign. This variant is intronic and is not expected to impact mRNA splicing.

NM_004655.4(AXIN2):c.1201-14G>A

Gene: AXIN2 (axin 2; minus strand). Cytogenetic location: 17q24.1.
Variant type: single nucleotide variant.
Coding change: c.1201-14G>A on transcript NM_004655.4 (MANE Select); 14 bases into the intron before coding-DNA position 1201, G replaced by A.
Molecular consequence: intron variant.
Genome position (GRCh38, 1-based): chr17:65,537,849, C>T on the plus strand (G>A on the coding strand, the complement: AXIN2 is on the minus strand). VCF-style: chr17-65537849-C-T. GRCh37 (hg19) VCF-style: chr17-63533967-C-T.
Other names: c.1201-14G>A (NM_001363813.1).
Identifiers: ClinVar variation 2051421 (VCV002051421.5), dbSNP rs2043964058, ClinGen allele CA985561795.